The following is an entry in ClinVar:

NM_032409.3(PINK1):c.620del (p.Arg207fs)

Gene: PINK1 (PTEN induced kinase 1; plus strand). Cytogenetic location: 1p36.12.
Variant type: Deletion.
Coding change: c.620del on transcript NM_032409.3 (MANE Select); coding-DNA position 620, one base deleted (G; older notation c.620delG).
Protein change: p.Arg207fs; shifts the reading frame from arginine 207.
Molecular consequence: frameshift variant.
Genome position (GRCh38, 1-based): chr1:20,638,074, G deleted. VCF-style (leftmost placement, unchanged base first): chr1-20638073-CG-C. GRCh37 (hg19) VCF-style: chr1-20964566-CG-C.
Other names: short protein forms R207fs.
Identifiers: ClinVar variation 189240 (VCV000189240.4), dbSNP rs756677845, ClinGen allele CA274494.
Genomic context (GRCh38, chr1:20,638,073, plus strand): 5'-AGCACCGGGTTGCTTCCAGGGAGAGGCCCAGGTACCAGTGCACCAGGAGAAGGGCAGGAG[CG>C]AGCTCCGGGGGCCCCTGCCTTCCCCTTGGCCATCAAGATGATGTGGAACATCTCGGTAAG-3'

ClinVar aggregate classification (germline): Pathogenic (1 of 4 stars; one submission).

Conditions:
Autosomal recessive early-onset Parkinson disease 6 (PARK6). Also called: PARKINSON DISEASE 6, MODIFIER OF; PARKINSON DISEASE 6, EARLY-ONSET; PINK1-Related Parkinson Disease; PINK1 Type of Young-Onset Parkinson Disease. Identifiers: Orphanet 2828, MedGen C1853833, MONDO:0011613, OMIM 605909.

Allele frequency attached by ClinVar (database versions not stated): gnomAD exomes below 0.00001; TOPMed below 0.00001; gnomAD 0.00001.

Submission:

Laboratory for Molecular Medicine, Mass General Brigham Personalized Medicine
Classification: Pathogenic for Parkinsonism. Last evaluated: 2014-06-09. Review status: criteria provided, single submitter. Criteria: LMM Criteria. Collection method: clinical testing. Allele origin: germline. Inheritance: Autosomal recessive inheritance. Observed: 1 variant allele. Study: CSER-MedSeq.
Comment: The Arg207Glnfs*14 variant in PINK1 has not been reported in individuals with Parkinson disease or in large population studies. This frameshift variant is predicted to alter the protein’s amino acid sequence beginning at position 207 and lead to a premature termination codon 14 amino acids downstream. This alteration is then predicted to lead to a truncated or absent protein. In summary, this variant meets our criteria to be classified as pathogenic.